The following is an entry in ClinVar:

NM_006015.6(ARID1A):c.5305_5323delinsT (p.Leu1769_Glu1775delinsTer)

Gene: ARID1A (AT-rich interaction domain 1A; plus strand). Cytogenetic location: 1p36.11.
Variant type: Indel.
Coding change: c.5305_5323delinsT on transcript NM_006015.6 (MANE Select); coding-DNA positions 5305 to 5323, CTAGGTCCTAAACTAGAAG replaced by T.
Protein change: p.Leu1769_Glu1775delinsTer.
Molecular consequence: nonsense.
Genome position (GRCh38, 1-based): chr1:26,779,203-26,779,221, CTAGGTCCTAAACTAGAAG replaced by T. VCF-style: chr1-26779203-CTAGGTCCTAAACTAGAAG-T. GRCh37 (hg19) VCF-style: chr1-27105694-CTAGGTCCTAAACTAGAAG-T.
Other names: c.4654_4672delinsT, p.Leu1552_Glu1558delinsTer (NM_139135.4).
Identifiers: ClinVar variation 4530202 (VCV004530202.1).

ClinVar aggregate classification (somatic clinical impact): Tier II - Potential (1 of 4 stars; one submission).

Conditions:
Liver cancer. Also called: hepatic cancer. Identifiers: MedGen C0345904, MONDO:0002691.

Submission:

Institute for Genomic Medicine (IGM) Clinical Laboratory, Nationwide Children's Hospital
Classification: Tier II - Potential for Liver cancer. Assertion type: diagnostic. Clinical significance: supports diagnosis. Last evaluated: 2024-03-26. Review status: criteria provided, single submitter. Criteria: AMP/ASCO/CAP Guidelines, 2017. Collection method: clinical testing. Allele origin: somatic. Affected: yes.
Comment: Variant has Tier II (potential) clinical significance as a diagnostic inclusion criterion in liver cancer, based on the following evidence: 1) Documented in one or more cancer databases (e.g., St. Jude Pecan, COSMIC, CIViC, OncoKB). 2) Diagnostic significance based on multiple small studies (Evidence Level C; PMIDs: 25526346, 28854942, 31255945, 32878261, 35125107, 36950649).

Literature cited by the submitters: PubMed 25526346; PubMed 28854942; PubMed 31255945; PubMed 32878261; PubMed 35125107; PubMed 36950649.